The following is an entry in ClinVar:

ClinVar aggregate classification (germline): Uncertain significance. Review status: criteria provided, multiple submitters, no conflicts (2 of 4 stars). 3 submissions from 3 submitters: Uncertain significance (3). Last evaluated 2024-11-21.

Allele frequency attached by ClinVar (database versions not stated): ExAC 0.00004; gnomAD 0.00004; gnomAD exomes 0.00004; TOPMed 0.00005.
gnomAD v4.1: 286 of 1,574,108 alleles (0.018%); highest among the groups gnomAD compares: Non-Finnish European, 0.024%; no homozygotes.

Submissions (3):

Blueprint Genetics
Classification: Uncertain significance. Last evaluated: 2024-11-21. Review status: criteria provided, single submitter. Criteria: ACMG Guidelines, 2015. Collection method: clinical testing. Allele origin: germline.

Ambry Genetics
Classification: Uncertain significance. Last evaluated: 2023-08-28. Review status: criteria provided, single submitter. Criteria: Ambry Variant Classification Scheme 2023. Collection method: clinical testing. Allele origin: germline.

Labcorp Genetics (formerly Invitae), Labcorp
Classification: Uncertain significance. Last evaluated: 2023-08-19. Review status: criteria provided, single submitter. Criteria: Invitae Variant Classification Sherloc (09022015). Collection method: clinical testing. Allele origin: germline.
Comment: In summary, the available evidence is currently insufficient to determine the role of this variant in disease. Therefore, it has been classified as a Variant of Uncertain Significance. An algorithm developed to predict the effect of missense changes on protein structure and function (PolyPhen-2) suggests that this variant is likely to be disruptive. ClinVar contains an entry for this variant (Variation ID: 969117). This variant has not been reported in the literature in individuals affected with SAMD11-related conditions. This variant is present in population databases (rs755417621, gnomAD 0.009%). This sequence change replaces glycine, which is neutral and non-polar, with arginine, which is basic and polar, at codon 559 of the SAMD11 protein (p.Gly559Arg).

NM_001385641.1(SAMD11):c.2164G>C (p.Gly722Arg)

Gene: SAMD11 (sterile alpha motif domain containing 11; plus strand). Cytogenetic location: 1p36.33.
Variant type: single nucleotide variant.
Coding change: c.2164G>C on transcript NM_001385641.1 (MANE Select); coding-DNA position 2164, G replaced by C.
Protein change: p.Gly722Arg; replaces glycine 722 with arginine.
Molecular consequence: missense variant.
Genome position (GRCh38, 1-based): chr1:943,363, G>C. VCF-style: chr1-943363-G-C. GRCh37 (hg19) VCF-style: chr1-878743-G-C.
Other names: c.2167G>C, p.Gly723Arg (NM_001385640.1); c.1675G>C, p.Gly559Arg (NM_152486.4); short protein forms G559R, G722R, G723R.
Identifiers: ClinVar variation 969117 (VCV000969117.10), dbSNP rs755417621, ClinGen allele CA503175.